The following is an entry in ClinVar:

ClinVar aggregate classification (germline): Conflicting classifications of pathogenicity. Review status: criteria provided, conflicting classifications (1 of 4 stars). 3 submissions from 3 submitters: Uncertain significance (1); Likely benign (2). Last evaluated 2025-04-16.

Conditions:
Ataxia-telangiectasia syndrome (AT). Also called: LOUIS-BAR SYNDROME; Cerebello-oculocutaneous telangiectasia; Immunodeficiency with ataxia telangiectasia; ATAXIA-TELANGIECTASIA, COMPLEMENTATION GROUP A; ATAXIA-TELANGIECTASIA, FRESNO VARIANT; Ataxia-telangiectasia. Identifiers: Orphanet 100, MedGen C0004135, MONDO:0008840, OMIM 208900.

Allele frequency attached by ClinVar (database versions not stated): gnomAD exomes 0.00001; TOPMed 0.00001; ExAC 0.00002.
gnomAD v4.1: 4 of 1,613,234 alleles (0.00025%); highest among the groups gnomAD compares: African/African-American, 0.0053%; no homozygotes.

Submissions (3):

Labcorp Genetics (formerly Invitae), Labcorp
Classification: Likely benign for Ataxia-telangiectasia syndrome. Last evaluated: 2025-04-16. Review status: criteria provided, single submitter. Criteria: Invitae Variant Classification Sherloc (09022015). Collection method: clinical testing. Allele origin: germline.

Women's Health and Genetics/Laboratory Corporation of America, LabCorp
Classification: Likely benign. Last evaluated: 2024-12-11. Review status: criteria provided, single submitter. Criteria: LabCorp Variant Classification Summary - May 2015. Collection method: clinical testing. Allele origin: germline.

GeneDx
Classification: Uncertain significance. Last evaluated: 2016-12-12. Review status: criteria provided, single submitter. Criteria: GeneDx Variant Classification (06012015). Collection method: clinical testing. Allele origin: germline. Affected: yes.
Comment: This variant is denoted ATM c.4110-9C>A or IVS27-9C>A and consists of a C>A nucleotide substitution at the -9 position of intron 27 of the ATM gene. Although this variant has not, to our knowledge, been reported in the literature, Demuth et al. (2011) identified ATM c.4110-9C>G along with a nonsense variant in a patient with Ataxia-telangectasia, and reported that this variant activated a cryptic splice site, leading to a frameshift detected via RNA studies. While multiple in silico models predict ATM c.4110-9C>A to also damage the nearby natural splice acceptor site and to possibly cause abnormal gene splicing, in the absence of RNA or functional studies the actual effect of this variant is unknown. ATM c.4110-9C>A occurs at a position that is not covered in the NHLBI Exome Sequencing Project. The cytosine (C) nucleotide that is altered is not conserved. Based on the currently available information, we consider ATM c.4110-9C>A to be a variant of uncertain significance.

NM_000051.4(ATM):c.4110-9C>A

Gene: ATM (ATM serine/threonine kinase; plus strand). Cytogenetic location: 11q22.3.
Variant type: single nucleotide variant.
Coding change: c.4110-9C>A on transcript NM_000051.4 (MANE Select); 9 bases into the intron before coding-DNA position 4110, C replaced by A.
Molecular consequence: intron variant.
Genome position (GRCh38, 1-based): chr11:108,288,968, C>A. VCF-style: chr11-108288968-C-A. GRCh37 (hg19) VCF-style: chr11-108159695-C-A.
Other names: c.4110-9C>A (NM_001351834.2).
Identifiers: ClinVar variation 181954 (VCV000181954.16), dbSNP rs730881367, ClinGen allele CA298238.
Genomic context (GRCh38, chr11:108,288,968, plus strand): 5'-GGAAGTTCACTGGTCTATGAACAAAACTTTTTAAAACGATGACTGTATTTTTTCCCTTAA[C>A]TCTGTTAGGGATTTGGATCCTGCTCCTAATCCACCTCATTTTCCATCGCATGTGATTAAA-3'